The following is an entry in ClinVar:

NM_001377.3(DYNC2H1):c.8611C>T (p.Arg2871Ter)

Gene: DYNC2H1 (dynein cytoplasmic 2 heavy chain 1; plus strand). Cytogenetic location: 11q22.3.
Variant type: single nucleotide variant.
Coding change: c.8611C>T on transcript NM_001377.3 (MANE Select); coding-DNA position 8611, C replaced by T.
Protein change: p.Arg2871Ter; replaces arginine 2871 with a stop codon.
Molecular consequence: nonsense.
Genome position (GRCh38, 1-based): chr11:103,211,860, C>T. VCF-style: chr11-103211860-C-T. GRCh37 (hg19) VCF-style: chr11-103082589-C-T.
Other names: c.8611C>T, p.Arg2871Ter (NM_001080463.2); short protein forms R2871*.
Identifiers: ClinVar variation 2834285 (VCV002834285.3), dbSNP rs1296847728, ClinGen allele CA382260519.

ClinVar aggregate classification (germline): Pathogenic (1 of 4 stars; one submission).

Conditions:
Jeune thoracic dystrophy. Also called: Jeune syndrome; Infantile thoracic dystrophy; Thoracic pelvic phalangeal dystrophy; Jeune's syndrome; Chondroectodermal dysplasia-like syndrome; Short-rib thoracic dysplasia. Identifiers: Orphanet 474, MedGen C0265275, MONDO:0018770.

Allele frequency attached by ClinVar (database versions not stated): gnomAD 0.00001.

Submission:

Labcorp Genetics (formerly Invitae), Labcorp
Classification: Pathogenic for Jeune thoracic dystrophy. Last evaluated: 2023-05-30. Review status: criteria provided, single submitter. Criteria: Invitae Variant Classification Sherloc (09022015). Collection method: clinical testing. Allele origin: germline.
Comment: For these reasons, this variant has been classified as Pathogenic. Algorithms developed to predict the effect of sequence changes on RNA splicing suggest that this variant may disrupt the consensus splice site. This variant has not been reported in the literature in individuals affected with DYNC2H1-related conditions. This variant is not present in population databases (gnomAD no frequency). This sequence change creates a premature translational stop signal (p.Arg2871*) in the DYNC2H1 gene. It is expected to result in an absent or disrupted protein product. Loss-of-function variants in DYNC2H1 are known to be pathogenic (PMID: 23339108, 32753734).

Literature cited by the submitters: PubMed 23339108; PubMed 32753734.